The following is an entry in ClinVar:

ClinVar aggregate classification (germline): Uncertain significance (1 of 4 stars; one submission).

Conditions:
Developmental and epileptic encephalopathy, 27 (DEE27). Also called: GRIN2B-Related Neurodevelopmental Disorder; Epileptic encephalopathy, early infantile, 27. Identifiers: Orphanet 3451, MedGen C4015316, MONDO:0014505, OMIM 616139.
Intellectual developmental disorder, autosomal dominant 6, with or without seizures. Also called: Intellectual disability, autosomal dominant 6; GRIN2B-related developmental delay, intellectual disability and autism spectrum disorder. Identifiers: Orphanet 589547, MedGen C3151411, MONDO:0013509, OMIM 613970.

Submission:

Labcorp Genetics (formerly Invitae), Labcorp
Classification: Uncertain significance for Developmental and epileptic encephalopathy, 27; Intellectual developmental disorder, autosomal dominant 6, with or without seizures. Last evaluated: 2022-04-26. Review status: criteria provided, single submitter. Criteria: Invitae Variant Classification Sherloc (09022015). Collection method: clinical testing. Allele origin: germline.
Comment: This sequence change replaces glutamine, which is neutral and polar, with histidine, which is basic and polar, at codon 1395 of the GRIN2B protein (p.Gln1395His). This variant is not present in population databases (gnomAD no frequency). This variant has not been reported in the literature in individuals affected with GRIN2B-related conditions. Advanced modeling of protein sequence and biophysical properties (such as structural, functional, and spatial information, amino acid conservation, physicochemical variation, residue mobility, and thermodynamic stability) performed at Invitae indicates that this missense variant is not expected to disrupt GRIN2B protein function. In summary, the available evidence is currently insufficient to determine the role of this variant in disease. Therefore, it has been classified as a Variant of Uncertain Significance.

NM_000834.5(GRIN2B):c.4185G>T (p.Gln1395His)

Gene: GRIN2B (glutamate ionotropic receptor NMDA type subunit 2B; minus strand). Cytogenetic location: 12p13.1.
Variant type: single nucleotide variant.
Coding change: c.4185G>T on transcript NM_000834.5 (MANE Select); coding-DNA position 4185, G replaced by T.
Protein change: p.Gln1395His; replaces glutamine 1395 with histidine.
Molecular consequence: missense variant.
Genome position (GRCh38, 1-based): chr12:13,563,053, C>A on the plus strand (G>T on the coding strand, the complement: GRIN2B is on the minus strand). VCF-style: chr12-13563053-C-A. GRCh37 (hg19) VCF-style: chr12-13715987-C-A.
Other names: c.4185G>T, p.Gln1395His (NM_001413992.1); short protein forms Q1395H.
Identifiers: ClinVar variation 2173300 (VCV002173300.4), dbSNP rs1948570490, ClinGen allele CA383986153.
Genomic context (GRCh38, chr12:13,563,053, plus strand): 5'-CGACGCCCCCGCCACCGTGGGCTGCCTGAAGAAGTAGGATTTGCTGCCATGGAGCAAGCA[C>A]TGGTCGTCCCCAAAAGTGGGGATGAAAGGGTTTTGCGTGACCCGGTCAGGGTAGAGCGAC-3'
Protein context (NP_000825.2, residues 1385-1405): NPFIPTFGDD[Gln1395His]CLLHGSKSYF